The following is an entry in ClinVar:

NM_001039141.3(TRIOBP):c.273A>G (p.Ala91=)

Gene: TRIOBP (TRIO and F-actin binding protein; plus strand). Cytogenetic location: 22q13.1.
Variant type: single nucleotide variant.
Coding change: c.273A>G on transcript NM_001039141.3 (MANE Select); coding-DNA position 273, A replaced by G.
Protein change: p.Ala91=; no amino-acid change (alanine 91 retained).
Molecular consequence: synonymous variant.
Genome position (GRCh38, 1-based): chr22:37,713,228, A>G. VCF-style: chr22-37713228-A-G. GRCh37 (hg19) VCF-style: chr22-38109235-A-G.
Identifiers: ClinVar variation 228028 (VCV000228028.5), dbSNP rs876657592, ClinGen allele CA10577142.

ClinVar aggregate classification (germline): Likely benign (1 of 4 stars; one submission).

Allele frequency attached by ClinVar (database versions not stated): gnomAD exomes below 0.00001; gnomAD 0.00001.
gnomAD v4.1: 2 of 1,613,468 alleles (0.00012%); highest among the groups gnomAD compares: East Asian, 0.0045%; no homozygotes.

Submission:

Laboratory for Molecular Medicine, Mass General Brigham Personalized Medicine
Classification: Likely benign. Last evaluated: 2015-11-12. Review status: criteria provided, single submitter. Criteria: LMM Criteria. Collection method: clinical testing. Allele origin: germline. Observed: 1 variant allele.
Comment: p.Ala91Ala in exon 5 of TRIOBP: This variant is not expected to have clinical si gnificance because it does not alter an amino acid residue and is not located wi thin the splice consensus sequence.